The following is an entry in ClinVar:

NM_017617.5(NOTCH1):c.7220G>C (p.Ser2407Thr)

Gene: NOTCH1 (notch receptor 1; minus strand). Cytogenetic location: 9q34.3.
Variant type: single nucleotide variant.
Coding change: c.7220G>C on transcript NM_017617.5 (MANE Select); coding-DNA position 7220, G replaced by C.
Protein change: p.Ser2407Thr; replaces serine 2407 with threonine.
Molecular consequence: missense variant.
Genome position (GRCh38, 1-based): chr9:136,496,519, C>G on the plus strand (G>C on the coding strand, the complement: NOTCH1 is on the minus strand). VCF-style: chr9-136496519-C-G. GRCh37 (hg19) VCF-style: chr9-139390971-C-G.
Other names: short protein forms S2407T.
Identifiers: ClinVar variation 3226990 (VCV003226990.1), dbSNP rs2133315934, ClinGen allele CA375627617.

ClinVar aggregate classification (germline): Uncertain significance (1 of 4 stars; one submission).

Conditions:
Familial thoracic aortic aneurysm and aortic dissection (TAAD). Also called: Thoracic aortic aneurysms and dissections. Identifiers: Orphanet 91387, MedGen C4707243, MONDO:0019625.

Submission:

Ambry Genetics
Classification: Uncertain significance for Familial thoracic aortic aneurysm and aortic dissection. Last evaluated: 2024-01-06. Review status: criteria provided, single submitter. Criteria: Ambry Variant Classification Scheme 2023. Collection method: clinical testing. Allele origin: germline.
Comment: The p.S2407T variant (also known as c.7220G>C), located in coding exon 34 of the NOTCH1 gene, results from a G to C substitution at nucleotide position 7220. The serine at codon 2407 is replaced by threonine, an amino acid with similar properties. This amino acid position is conserved. In addition, this alteration is predicted to be tolerated by in silico analysis. Since supporting evidence is limited at this time, the clinical significance of this alteration remains unclear.